The following is an entry in ClinVar:

NM_173354.5(SIK1):c.1153C>T (p.Arg385Ter)

Gene: SIK1 (salt inducible kinase 1; minus strand). Cytogenetic location: 21q22.3.
Variant type: single nucleotide variant.
Coding change: c.1153C>T on transcript NM_173354.5 (MANE Select); coding-DNA position 1153, C replaced by T.
Protein change: p.Arg385Ter; replaces arginine 385 with a stop codon.
Molecular consequence: nonsense.
Genome position (GRCh38, 1-based): chr21:43,419,445, G>A on the plus strand (C>T on the coding strand, the complement: SIK1 is on the minus strand). VCF-style: chr21-43419445-G-A. GRCh37 (hg19) VCF-style: chr21-44839325-G-A.
Other names: short protein forms R385*.
Identifiers: ClinVar variation 1332903 (VCV001332903.2), dbSNP rs1256783641, ClinGen allele CA410608614.

ClinVar aggregate classification (germline): Likely pathogenic (1 of 4 stars; one submission).

Conditions:
Global developmental delay (DD). Also called: Cognitive delay. Identifiers: MedGen C0557874, HP:0001263. Disease mechanism: loss of function.
Language disorder. Also called: Language impairment; Disorder of language. Identifiers: MedGen C0023015, MONDO:0004750, HP:0002463.

Allele frequency attached by ClinVar (database versions not stated): gnomAD exomes below 0.00001.

Submission:

Centre of Medical Genetics, University Hospital Muenster
Classification: Likely pathogenic for Global developmental delay; Language disorder. Last evaluated: 2021-12-05. Review status: criteria provided, single submitter. Criteria: ACMG Guidelines, 2015. Collection method: clinical testing. Allele origin: germline. Affected: yes. Observed: 1 variant allele, 1 heterozygote.
Comment: ACMG categories: PVS1,PM2,BS4